The following is an entry in ClinVar:

ClinVar aggregate classification (germline): Uncertain significance (1 of 4 stars; one submission).

Conditions:
Osteogenesis imperfecta type 7 (OI7). Also called: OSTEOGENESIS IMPERFECTA, TYPE IIB; Osteogenesis imperfecta type 2B; OI type 2B; Osteogenesis imperfecta, perinatal lethal autosomal recessive; OI type IIB; OI type 7. Identifiers: MedGen C1853162, MONDO:0012536, OMIM 610682.

Submission:

Labcorp Genetics (formerly Invitae), Labcorp
Classification: Uncertain significance for Osteogenesis imperfecta type 7. Last evaluated: 2022-06-18. Review status: criteria provided, single submitter. Criteria: Invitae Variant Classification Sherloc (09022015). Collection method: clinical testing. Allele origin: germline.
Comment: This variant, c.44_64dup, results in the insertion of 7 amino acid(s) of the CRTAP protein (p.Leu15_Leu21dup), but otherwise preserves the integrity of the reading frame. This variant is not present in population databases (gnomAD no frequency). This variant has not been reported in the literature in individuals affected with CRTAP-related conditions. Algorithms developed to predict the effect of sequence changes on RNA splicing suggest that this variant may create or strengthen a splice site. In summary, the available evidence is currently insufficient to determine the role of this variant in disease. Therefore, it has been classified as a Variant of Uncertain Significance.

NM_006371.5(CRTAP):c.44_64dup (p.Leu15_Leu21dup)

Genes: CRTAP (cartilage associated protein; plus strand), LOC129936436 (ATAC-STARR-seq lymphoblastoid silent region 14183; plus strand). Cytogenetic location: 3p22.3.
Variant type: Duplication.
Coding change: c.44_64dup on transcript NM_006371.5 (MANE Select); coding-DNA positions 44 to 64, 21 bases duplicated (TGTGCGTGGCCTGCGCGCTGC).
Protein change: p.Leu15_Leu21dup.
Molecular consequence: inframe insertion.
Genome position (GRCh38, 1-based): chr3:33,114,121-33,114,141, TGTGCGTGGCCTGCGCGCTGC duplicated; duplicating any 21 consecutive bases within chr3:33,114,114-33,114,141 gives the same sequence; the c. name uses the placement nearest the transcript's 3' end. VCF-style (leftmost placement, unchanged base first): chr3-33114113-A-AGCGCTGCTGTGCGTGGCCTGC. GRCh37 (hg19) VCF-style: chr3-33155605-A-AGCGCTGCTGTGCGTGGCCTGC.
Other names: c.44_64dup, p.Leu15_Leu21dup (NM_001393363.1, NM_001393364.1, NM_001393365.1).
Identifiers: ClinVar variation 1400381 (VCV001400381.5), dbSNP rs1701307846, ClinGen allele CA1046634981.
Genomic context (GRCh38, chr3:33,114,113, plus strand): 5'-TCCTTCCTTCCTTTCGCCGGGCGCGATGGAGCCGGGGCGCCGGGGGGCCGCGGCGCTGCT[A>AGCGCTGCTGTGCGTGGCCTGC]GCGCTGCTGTGCGTGGCCTGCGCGCTGCGCGCCGGGCGCGCCCAATACGAACGCTACAGC-3'